The following is an entry in ClinVar:

ClinVar aggregate classification (germline): Uncertain significance. Review status: criteria provided, multiple submitters, no conflicts (2 of 4 stars). 2 submissions from 2 submitters: Uncertain significance (2). Last evaluated 2026-08-31.

Conditions:
NTRK2-related disorder. Also called: NTRK2-related condition.

Allele frequency attached by ClinVar (database versions not stated): gnomAD 0.00001; gnomAD exomes 0.00001; TOPMed 0.00002.
gnomAD v4.1: 22 of 1,614,038 alleles (0.0014%); highest among the groups gnomAD compares: Non-Finnish European, 0.0019%; no homozygotes.

Submissions (2):

PreventionGenetics, part of Exact Sciences
Classification: Uncertain significance for NTRK2-related condition. Last evaluated: 2026-08-31. Review status: criteria provided, single submitter. Criteria: ACMG Guidelines, 2015. Collection method: clinical testing. Allele origin: germline.
Comment: The NTRK2 c.292A>G variant is predicted to result in the amino acid substitution p.Ile98Val. This variant has been reported in a cohort study of individuals with severe obesity and developmental delay (Yeo et al. 2004. PubMed ID: 15494731). Functional study has shown that this variant does not affect NTRK2 function (Gray et al. 2006. PubMed ID: 16702999). This variant is reported in 0.0018% of alleles in individuals of European (Non-Finnish) descent in gnomAD. At this time, the clinical significance of this variant is uncertain due to the absence of conclusive functional and genetic evidence.

Labcorp Genetics (formerly Invitae), Labcorp
Classification: Uncertain significance. Last evaluated: 2025-11-27. Review status: criteria provided, single submitter. Criteria: Invitae Variant Classification Sherloc (09022015). Collection method: clinical testing. Allele origin: germline.
Comment: This sequence change replaces isoleucine, which is neutral and non-polar, with valine, which is neutral and non-polar, at codon 98 of the NTRK2 protein (p.Ile98Val). This variant is present in population databases (no rsID available, gnomAD 0.002%). This missense change has been observed in individual(s) with clinical features of NTRK2-related conditions (PMID: 15494731). ClinVar contains an entry for this variant (Variation ID: 2984250). Invitae Evidence Modeling of protein sequence and biophysical properties (such as structural, functional, and spatial information, amino acid conservation, physicochemical variation, residue mobility, and thermodynamic stability) indicates that this missense variant is not expected to disrupt NTRK2 protein function with a negative predictive value of 80%. Experimental studies have shown that this missense change does not substantially affect NTRK2 function (PMID: 16702999). In summary, the available evidence is currently insufficient to determine the role of this variant in disease. Therefore, it has been classified as a Variant of Uncertain Significance.

Literature cited by the submitters: PubMed 15494731 (cited by Labcorp Genetics (formerly Invitae), Labcorp); PubMed 16702999 (cited by Labcorp Genetics (formerly Invitae), Labcorp).

NM_006180.6(NTRK2):c.292A>G (p.Ile98Val)

Gene: NTRK2 (neurotrophic receptor tyrosine kinase 2; plus strand). Cytogenetic location: 9q21.33.
Variant type: single nucleotide variant.
Coding change: c.292A>G on transcript NM_006180.6 (MANE Select); coding-DNA position 292, A replaced by G.
Protein change: p.Ile98Val; replaces isoleucine 98 with valine.
Molecular consequence: missense variant. On other transcripts: 5 prime UTR variant (4).
Genome position (GRCh38, 1-based): chr9:84,702,352, A>G. VCF-style: chr9-84702352-A-G. GRCh37 (hg19) VCF-style: chr9-87317267-A-G.
Other names: c.292A>G, p.Ile98Val (NM_001018066.3, NM_001291937.2, NM_001369532.1 and 19 more transcripts); c.-177A>G (NM_001369535.1, NM_001369536.1, NM_001369550.1 and 1 more transcripts); c.292A>G (NM_006180.4); short protein forms I98V.
Identifiers: ClinVar variation 2984250 (VCV002984250.4), dbSNP rs1052977316, ClinGen allele CA195742832.